The following is an entry in ClinVar:

NM_005918.4(MDH2):c.506T>C (p.Val169Ala)

Gene: MDH2 (malate dehydrogenase 2; plus strand). Cytogenetic location: 7q11.23.
Variant type: single nucleotide variant.
Coding change: c.506T>C on transcript NM_005918.4 (MANE Select); coding-DNA position 506, T replaced by C.
Protein change: p.Val169Ala; replaces valine 169 with alanine.
Molecular consequence: missense variant. On other transcripts: intron variant (1).
Genome position (GRCh38, 1-based): chr7:76,060,449, T>C. VCF-style: chr7-76060449-T-C. GRCh37 (hg19) VCF-style: chr7-75689767-T-C.
Other names: c.185T>C, p.Val62Ala (NM_001282404.2); c.429+2371T>C (NM_001282403.2); short protein forms V169A, V62A.
Identifiers: ClinVar variation 3225197 (VCV003225197.1), dbSNP rs2535863930, ClinGen allele CA367765019.

ClinVar aggregate classification (germline): Uncertain significance (1 of 4 stars; one submission).

Conditions:
Inborn genetic diseases. Identifiers: MedGen C0950123, MeSH D030342.

Submission:

Ambry Genetics
Classification: Uncertain significance for Inborn genetic diseases. Last evaluated: 2024-02-06. Review status: criteria provided, single submitter. Criteria: Ambry Variant Classification Scheme 2023. Collection method: clinical testing. Allele origin: germline.
Comment: The p.V169A variant (also known as c.506T>C), located in coding exon 5 of the MDH2 gene, results from a T to C substitution at nucleotide position 506. The valine at codon 169 is replaced by alanine, an amino acid with similar properties. This amino acid position is conserved. In addition, this alteration is predicted to be deleterious by in silico analysis. Based on the available evidence, the clinical significance of this alteration remains unclear.